The following is an entry in ClinVar:

ClinVar aggregate classification (germline): Uncertain significance. Review status: criteria provided, multiple submitters, no conflicts (2 of 4 stars). 2 submissions from 2 submitters: Uncertain significance (2). Last evaluated 2024-03-07.

Conditions:
Cardiomyopathy (CMYO). Also called: Cardiomyopathies. Identifiers: Orphanet 167848, MedGen C0878544, MONDO:0004994, HP:0001638. Inheritance: Various modes of inheritance.
Arrhythmogenic right ventricular dysplasia 11. Also called: ARRHYTHMOGENIC RIGHT VENTRICULAR DYSPLASIA, FAMILIAL, 11; Arrhythmogenic Right Ventricular Dysplasia/Cardiomyopathy11; Arrhythmogenic right ventricular dysplasia 11 with mild palmoplantar keratoderma and woolly hair. Identifiers: MedGen C1864850, MONDO:0012506, OMIM 610476.

Submissions (2):

Color Diagnostics, LLC DBA Color Health
Classification: Uncertain significance for Cardiomyopathy. Last evaluated: 2024-03-07. Review status: criteria provided, single submitter. Criteria: ACMG Guidelines, 2015. Collection method: clinical testing. Allele origin: germline.
Comment: This missense variant replaces serine with alanine at codon 663 of the DSC2 protein. Computational prediction suggests that this variant may not impact protein structure and function (internally defined REVEL score threshold <= 0.5, PMID: 27666373). To our knowledge, functional studies have not been reported for this variant. This variant has not been reported in individuals affected with cardiovascular disorders in the literature. This variant has not been identified in the general population by the Genome Aggregation Database (gnomAD). The available evidence is insufficient to determine the role of this variant in disease conclusively. Therefore, this variant is classified as a Variant of Uncertain Significance.

Clinical Genomics Laboratory, Stanford Medicine
Classification: Uncertain significance for Arrhythmogenic right ventricular dysplasia 11. Last evaluated: 2022-09-13. Review status: criteria provided, single submitter. Criteria: ACMG Guidelines, 2015. Collection method: clinical testing. Allele origin: germline. Observed: 1 variant allele, 1 heterozygote.
Comment: The p.Ser663Ala variant in the DSC2 gene has not been previously reported in association with disease.This variant was absent from large population databases, including the Genome Aggregation Database. Computational tools predict that this variant does not impact protein function; however, the accuracy of in silico algorithms is limited. These data were assessed using the ACMG/AMP variant interpretation guidelines. In summary, the significance of the p.Ser663Ala variant is uncertain. Additional information is needed to resolve the significance of this variant. [ACMG evidence codes used: PM2; BP4]

NM_024422.6(DSC2):c.1987T>G (p.Ser663Ala)

Gene: DSC2 (desmocollin 2; minus strand). Cytogenetic location: 18q12.1.
Variant type: single nucleotide variant.
Coding change: c.1987T>G on transcript NM_024422.6 (MANE Select); coding-DNA position 1987, T replaced by G.
Protein change: p.Ser663Ala; replaces serine 663 with alanine.
Molecular consequence: missense variant.
Genome position (GRCh38, 1-based): chr18:31,071,743, A>C on the plus strand (T>G on the coding strand, the complement: DSC2 is on the minus strand). VCF-style: chr18-31071743-A-C. GRCh37 (hg19) VCF-style: chr18-28651709-A-C.
Other names: c.1558T>G, p.Ser520Ala (NM_001406506.1, NM_001406507.1); c.1987T>G, p.Ser663Ala (NM_004949.5); short protein forms S663A, S520A.
Identifiers: ClinVar variation 2775174 (VCV002775174.3), dbSNP rs2510940524, ClinGen allele CA402113215.